The following is an entry in ClinVar:

NM_201384.3(PLEC):c.7687G>A (p.Glu2563Lys)

Gene: PLEC (plectin; minus strand). Cytogenetic location: 8q24.3.
Variant type: single nucleotide variant.
Coding change: c.7687G>A on transcript NM_201384.3 (MANE Select); coding-DNA position 7687, G replaced by A.
Protein change: p.Glu2563Lys; replaces glutamic acid 2563 with lysine.
Molecular consequence: missense variant.
Genome position (GRCh38, 1-based): chr8:143,922,134, C>T on the plus strand (G>A on the coding strand, the complement: PLEC is on the minus strand). VCF-style: chr8-143922134-C-T. GRCh37 (hg19) VCF-style: chr8-144996302-C-T.
Other names: c.7768G>A, p.Glu2590Lys (NM_000445.5); c.7645G>A, p.Glu2549Lys (NM_201378.4); c.7621G>A, p.Glu2541Lys (NM_201379.3); c.8098G>A, p.Glu2700Lys (NM_201380.4); c.7591G>A, p.Glu2531Lys (NM_201381.3); c.7687G>A, p.Glu2563Lys (NM_201382.4); c.7699G>A, p.Glu2567Lys (NM_201383.3); short protein forms E2700K, E2541K, E2549K, E2567K, E2563K, E2531K, E2590K.
Identifiers: ClinVar variation 640044 (VCV000640044.6), dbSNP rs782130041, ClinGen allele CA4925544.

ClinVar aggregate classification (germline): Uncertain significance (1 of 4 stars; one submission).

Conditions:
Epidermolysis bullosa simplex, Ogna type (EBS5A). Also called: Pidermolysis bullosa simplex 5A, Ogna type; EPIDERMOLYSIS BULLOSA SIMPLEX 5A, OGNA TYPE. Identifiers: Orphanet 79401, MedGen C0432317, MONDO:0007555, OMIM 131950.
Autosomal recessive limb-girdle muscular dystrophy type 2Q (LGMDR17). Also called: MUSCULAR DYSTROPHY, LIMB-GIRDLE, AUTOSOMAL RECESSIVE 17. Identifiers: Orphanet 254361, MedGen C3150989, MONDO:0013390, OMIM 613723.
Epidermolysis bullosa simplex with nail dystrophy (EBS5D). Identifiers: MedGen C4225309, MONDO:0014661, OMIM 616487.
Epidermolysis bullosa simplex 5B, with muscular dystrophy (EBS5B). Also called: Epidermolysis bullosa simplex with muscular dystrophy; EPIDERMOLYSIS BULLOSA SIMPLEX AND LIMB-GIRDLE MUSCULAR DYSTROPHY. Identifiers: Orphanet 257, MedGen C2931072, MONDO:0009181, OMIM 226670.
Epidermolysis bullosa simplex 5C, with pyloric atresia (EBS5C). Also called: PLEC-Related Epidermolysis Bullosa with Pyloric Atresia; Epidermolysis bullosa simplex with pyloric atresia; PLEC1-Related Epidermolysis Bullosa with Pyloric Atresia. Identifiers: Orphanet 158684, MedGen C2677349, MONDO:0012807, OMIM 612138.

Allele frequency attached by ClinVar (database versions not stated): gnomAD exomes 0.00001 and 0.00002; TOPMed 0.00002; gnomAD 0.00003; ExAC 0.00007.
gnomAD v4.1: 20 of 1,540,860 alleles (0.0013%); highest among the groups gnomAD compares: African/African-American, 0.0054%; no homozygotes.

Submission:

Labcorp Genetics (formerly Invitae), Labcorp
Classification: Uncertain significance for Autosomal recessive limb-girdle muscular dystrophy type 2Q; Epidermolysis bullosa simplex, Ogna type; Epidermolysis bullosa simplex with nail dystrophy; Epidermolysis bullosa simplex 5C, with pyloric atresia; Epidermolysis bullosa simplex 5B, with muscular dystrophy. Last evaluated: 2022-07-06. Review status: criteria provided, single submitter. Criteria: Invitae Variant Classification Sherloc (09022015). Collection method: clinical testing. Allele origin: germline.
Comment: In summary, the available evidence is currently insufficient to determine the role of this variant in disease. Therefore, it has been classified as a Variant of Uncertain Significance. Algorithms developed to predict the effect of missense changes on protein structure and function are either unavailable or do not agree on the potential impact of this missense change (SIFT: "Deleterious"; PolyPhen-2: "Probably Damaging"; Align-GVGD: "Class C0"). ClinVar contains an entry for this variant (Variation ID: 640044). This variant has not been reported in the literature in individuals affected with PLEC-related conditions. This variant is present in population databases (rs782130041, gnomAD 0.004%). This sequence change replaces glutamic acid, which is acidic and polar, with lysine, which is basic and polar, at codon 2590 of the PLEC protein (p.Glu2590Lys).